The following is an entry in ClinVar:

NM_000334.4(SCN4A):c.1130A>G (p.Lys377Arg)

Gene: SCN4A (sodium voltage-gated channel alpha subunit 4; minus strand). Cytogenetic location: 17q23.3.
Variant type: single nucleotide variant.
Coding change: c.1130A>G on transcript NM_000334.4 (MANE Select); coding-DNA position 1130, A replaced by G.
Protein change: p.Lys377Arg; replaces lysine 377 with arginine.
Molecular consequence: missense variant.
Genome position (GRCh38, 1-based): chr17:63,966,214, T>C on the plus strand (A>G on the coding strand, the complement: SCN4A is on the minus strand). VCF-style: chr17-63966214-T-C. GRCh37 (hg19) VCF-style: chr17-62043574-T-C.
Other names: short protein forms K377R.
Identifiers: ClinVar variation 3626145 (VCV003626145.2).

ClinVar aggregate classification (germline): Uncertain significance (1 of 4 stars; one submission).

Conditions:
Hyperkalemic periodic paralysis. Also called: Familial hyperkalemic periodic paralysis; Gamstorp disease. Identifiers: Orphanet 682, MedGen C0238357, MONDO:0008224, OMIM 170500, HP:0007215.

gnomAD v4.1: 1 of 1,604,334 alleles (0.000062%); highest among the groups gnomAD compares: Non-Finnish European, 0.000085%; no homozygotes.

Submission:

Labcorp Genetics (formerly Invitae), Labcorp
Classification: Uncertain significance for Hyperkalemic periodic paralysis. Last evaluated: 2024-07-16. Review status: criteria provided, single submitter. Criteria: Invitae Variant Classification Sherloc (09022015). Collection method: clinical testing. Allele origin: germline.
Comment: This sequence change replaces lysine, which is basic and polar, with arginine, which is basic and polar, at codon 377 of the SCN4A protein (p.Lys377Arg). This variant is not present in population databases (gnomAD no frequency). This variant has not been reported in the literature in individuals affected with SCN4A-related conditions. Advanced modeling of protein sequence and biophysical properties (such as structural, functional, and spatial information, amino acid conservation, physicochemical variation, residue mobility, and thermodynamic stability) has been performed at Invitae for this missense variant, however the output from this modeling did not meet the statistical confidence thresholds required to predict the impact of this variant on SCN4A protein function. In summary, the available evidence is currently insufficient to determine the role of this variant in disease. Therefore, it has been classified as a Variant of Uncertain Significance.